The following is an entry in ClinVar:

ClinVar aggregate classification (germline): Uncertain significance (1 of 4 stars; one submission).

Conditions:
Agammaglobulinemia 4, autosomal recessive (AGM4). Also called: AGAMMAGLOBULINEMIA, AUTOSOMAL RECESSIVE, DUE TO BLNK DEFECT; B cell linker protein deficiency. Identifiers: MedGen C3150752, MONDO:0013289, OMIM 613502.

Submission:

Labcorp Genetics (formerly Invitae), Labcorp
Classification: Uncertain significance for Agammaglobulinemia 4, autosomal recessive. Last evaluated: 2025-05-21. Review status: criteria provided, single submitter. Criteria: Invitae Variant Classification Sherloc (09022015). Collection method: clinical testing. Allele origin: germline.
Comment: This sequence change replaces methionine, which is neutral and non-polar, with threonine, which is neutral and polar, at codon 21 of the BLNK protein (p.Met21Thr). This variant is not present in population databases (gnomAD no frequency). This variant has not been reported in the literature in individuals affected with BLNK-related conditions. Invitae Evidence Modeling of protein sequence and biophysical properties (such as structural, functional, and spatial information, amino acid conservation, physicochemical variation, residue mobility, and thermodynamic stability) indicates that this missense variant is expected to disrupt BLNK protein function with a positive predictive value of 80%. In summary, the available evidence is currently insufficient to determine the role of this variant in disease. Therefore, it has been classified as a Variant of Uncertain Significance.

NM_013314.4(BLNK):c.62T>C (p.Met21Thr)

Gene: BLNK (B cell linker; minus strand). Cytogenetic location: 10q24.1.
Variant type: single nucleotide variant.
Coding change: c.62T>C on transcript NM_013314.4 (MANE Select); coding-DNA position 62, T replaced by C.
Protein change: p.Met21Thr; replaces methionine 21 with threonine.
Molecular consequence: missense variant. On other transcripts: non-coding transcript variant (4).
Genome position (GRCh38, 1-based): chr10:96,247,035, A>G on the plus strand (T>C on the coding strand, the complement: BLNK is on the minus strand). VCF-style: chr10-96247035-A-G. GRCh37 (hg19) VCF-style: chr10-98006791-A-G.
Other names: c.62T>C, p.Met21Thr (NM_001114094.2, NM_001258440.2, NM_001258441.2 and 1 more transcripts); short protein forms M21T.
Identifiers: ClinVar variation 4752709 (VCV004752709.1).